The following is an entry in ClinVar:

NM_178857.6(RP1L1):c.2923T>A (p.Leu975Met)

Gene: RP1L1 (RP1 like 1). Cytogenetic location: 8p23.1.
Variant type: single nucleotide variant.
Coding change: c.2923T>A on transcript NM_178857.6 (MANE Select); coding-DNA position 2923, T replaced by A.
Protein change: p.Leu975Met; replaces leucine 975 with methionine.
Molecular consequence: missense variant.
Genome position (GRCh38, 1-based): chr8:10,611,175, A>T on the plus strand (T>A on the coding strand, the complement: RP1L1 is on the minus strand). VCF-style: chr8-10611175-A-T. GRCh37 (hg19) VCF-style: chr8-10468685-A-T.
Other names: short protein forms L975M.
Identifiers: ClinVar variation 361328 (VCV000361328.42), dbSNP rs146002320, ClinGen allele CA4624655.
Genomic context (GRCh38, chr8:10,611,175, plus strand): 5'-CAGGGTCCACCTCGGGGCCTCTCAGGCCACCCCCAGCTGCACCTGTGGTCTCGTCCGCCA[A>T]CTCATATGTCATGAGTATGGGCTCTTCTGGAATGTTGTCCAGCCATTCGCGGACCACAGC-3'
Protein context (NP_849188.4, residues 965-985): PEEPILMTYE[Leu975Met]ADETTGAAGG

ClinVar aggregate classification (germline): Conflicting classifications of pathogenicity. Review status: criteria provided, conflicting classifications (1 of 4 stars). 6 submissions from 6 submitters: Uncertain significance (1); Benign (1); Likely benign (3). 1 of the submissions does not count toward it. Last evaluated 2026-03-01.

Conditions:
Occult macular dystrophy (OCMD). Also called: OMD; OCCULT MACULAR DYSTROPHY, SUSCEPTIBILITY TO. Identifiers: Orphanet 247834, MedGen C3150833, MONDO:0013316, OMIM 613587, HP:0030636.
RP1L1-related disorder. Also called: RP1L1-related condition.
Inborn genetic diseases. Identifiers: MedGen C0950123, MeSH D030342.

Allele frequency attached by ClinVar (database versions not stated): gnomAD exomes 0.00017 and 0.00046; ExAC 0.00055; 1000 Genomes Project 0.00100; 1000 Genomes Project 30x 0.00109; gnomAD 0.00114 and 0.00116; TOPMed 0.00120; ESP Exome Variant Server 0.00123.
gnomAD v4.1: 441 of 1,612,758 alleles (0.027%); highest among the groups gnomAD compares: Middle Eastern, 0.5%; 3 homozygotes.

Submissions (6):

CeGaT Center for Human Genetics Tuebingen
Classification: Likely benign. Last evaluated: 2026-03-01. Review status: criteria provided, single submitter. Criteria: CeGaT Center For Human Genetics Tuebingen Variant Classification Criteria Version 2. Collection method: clinical testing. Allele origin: germline. Affected: yes. Observed: 3 variant alleles.
Comment: RP1L1: BP4

Blueprint Genetics
Classification: Likely benign. Last evaluated: 2024-09-17. Review status: criteria provided, single submitter. Criteria: ACMG Guidelines, 2015. Collection method: clinical testing. Allele origin: germline.

GeneDx
Classification: Uncertain significance. Last evaluated: 2023-04-29. Review status: criteria provided, single submitter. Criteria: GeneDx Variant Classification Process June 2021. Collection method: clinical testing. Allele origin: germline. Affected: yes.
Comment: In silico analysis supports that this missense variant does not alter protein structure/function; Has not been previously published as pathogenic or benign to our knowledge

Ambry Genetics
Classification: Likely benign for Inborn genetic diseases. Last evaluated: 2021-10-05. Review status: criteria provided, single submitter. Criteria: Ambry Variant Classification Scheme 2023. Collection method: clinical testing. Allele origin: germline.

Illumina Laboratory Services, Illumina
Classification: Benign for Occult macular dystrophy. Last evaluated: 2018-01-13. Review status: criteria provided, single submitter. Criteria: ICSL Variant Classification Criteria 13 December 2019. Collection method: clinical testing. Allele origin: germline.
Comment: This variant was observed in the ICSL laboratory as part of a predisposition screen in an ostensibly healthy population. It had not been previously curated by ICSL or reported in the Human Gene Mutation Database (HGMD: prior to June 1st, 2018), and was therefore a candidate for classification through an automated scoring system. Utilizing variant allele frequency, disease prevalence and penetrance estimates, and inheritance mode, an automated score was calculated to assess if this variant is too frequent to cause the disease. Based on the score and internal cut-off values, a variant classified as benign is not then subjected to further curation. The score for this variant resulted in a classification of benign for this disease.

PreventionGenetics, part of Exact Sciences
Classification: Likely benign for RP1L1-related condition. Last evaluated: 2019-09-18. Review status: no assertion criteria provided. Collection method: clinical testing. Allele origin: germline. Not counted in ClinVar's aggregate classification.
Comment: This variant is classified as likely benign based on ACMG/AMP sequence variant interpretation guidelines (Richards et al. 2015 PMID: 25741868, with internal and published modifications).